The following is an entry in ClinVar:

NM_000414.4(HSD17B4):c.358del (p.His120fs)

Gene: HSD17B4 (hydroxysteroid 17-beta dehydrogenase 4; plus strand). Cytogenetic location: 5q23.1.
Variant type: Deletion.
Coding change: c.358del on transcript NM_000414.4 (MANE Select); coding-DNA position 358, one base deleted (C; older notation c.358delC).
Protein change: p.His120fs; shifts the reading frame from histidine 120.
Molecular consequence: frameshift variant. On other transcripts: 5 prime UTR variant (5), non-coding transcript variant (2).
Genome position (GRCh38, 1-based): chr5:119,477,425, C deleted; the last of 2 consecutive C bases (chr5:119,477,424-119,477,425); deleting either gives the same sequence. VCF-style (leftmost placement, unchanged base first): chr5-119477423-TC-T. GRCh37 (hg19) VCF-style: chr5-118813118-TC-T.
Other names: c.433del, p.His145fs (NM_001199291.3); c.304del, p.His102fs (NM_001199292.2); c.286del, p.His96fs (NM_001292027.2); c.-54del (NM_001292028.2, NM_001374501.1, NM_001374502.1 and 1 more transcripts); c.358del, p.His120fs (NM_001374497.1, NM_001374498.1); c.31del, p.His11fs (NM_001374499.1); c.-181del (NM_001374500.1); short protein forms H102fs, H11fs, H120fs, H145fs, H96fs.
Identifiers: ClinVar variation 1726708 (VCV001726708.3), dbSNP rs2531619533, ClinGen allele CA2580072382.
Genomic context (GRCh38, chr5:119,477,423, plus strand): 5'-TAGACATGCCTAAGTTTTTACAAAATATTTAATAAAAATAATTTATTGTTTTAGATATAA[TC>T]CACAGAGTTCATTTGCGGGGTTCATTCCAAGTGACACGGGCAGCATGGGAACACATGAAG-3'

ClinVar aggregate classification (germline): Likely pathogenic (1 of 4 stars; one submission).

Conditions:
Bifunctional peroxisomal enzyme deficiency (DBIF). Also called: DBP DEFICIENCY; PBFE DEFICIENCY; D-bifunctional protein deficiency. Identifiers: Orphanet 300, MedGen C0342870, MONDO:0009855, OMIM 261515. Disease mechanism: loss of function.

Submission:

Myriad Genetics, Inc.
Classification: Likely pathogenic for Bifunctional peroxisomal enzyme deficiency. Last evaluated: 2021-12-30. Review status: criteria provided, single submitter. Criteria: Myriad Autosomal Dominant, Autosomal Recessive and X-Linked Classification Criteria (2023). Collection method: clinical testing. Allele origin: unknown.
Comment: NM_000414.3(HSD17B4):c.358delC(H120Tfs*11) is expected to be pathogenic in the context of HSD17B4-related disorders. This variant is predicted to lead to an abnormal or absent protein product due to the creation of a premature termination codon in HSD17B4, a gene where loss-of-function variants are known to be pathogenic. Please note: this variant was assessed in the context of healthy population screening.